The following is an entry in ClinVar:

NM_007325.5(GRIA3):c.908T>C (p.Leu303Pro)

Gene: GRIA3 (glutamate ionotropic receptor AMPA type subunit 3; plus strand). Cytogenetic location: Xq25.
Variant type: single nucleotide variant.
Coding change: c.908T>C on transcript NM_007325.5 (MANE Select); coding-DNA position 908, T replaced by C.
Protein change: p.Leu303Pro; replaces leucine 303 with proline.
Molecular consequence: missense variant.
Genome position (GRCh38, 1-based): chrX:123,395,125, T>C. VCF-style: chrX-123395125-T-C. GRCh37 (hg19) VCF-style: chrX-122528976-T-C.
Other names: c.908T>C, p.Leu303Pro (NM_000828.5); short protein forms L303P.
Identifiers: ClinVar variation 2626920 (VCV002626920.1), dbSNP rs2521145938, ClinGen allele CA414257694.

ClinVar aggregate classification (germline): Uncertain significance (1 of 4 stars; one submission).

Submission:

Greenwood Genetic Center Diagnostic Laboratories, Greenwood Genetic Center
Classification: Uncertain significance. Last evaluated: 2023-09-05. Review status: criteria provided, single submitter. Criteria: ACMG Guidelines, 2015. Collection method: clinical testing. Allele origin: germline. Affected: yes.
Comment: PM2, PP2